The following is an entry in ClinVar:

ClinVar aggregate classification (germline): Uncertain significance (1 of 4 stars; one submission).

Conditions:
STAT3 gain of function. Identifiers: MedGen C4288261.
Hyper-IgE recurrent infection syndrome 1, autosomal dominant. Also called: JOB SYNDROME; HYPER-IgE SYNDROME 1, AUTOSOMAL DOMINANT, WITH RECURRENT INFECTIONS; STAT3 Hyper IgE Syndrome; Hyper-IgE recurrent infection syndrome 1; Job's Syndrome. Identifiers: Orphanet 2314, MedGen C2936739, MONDO:0007818, OMIM 147060.

Submission:

Labcorp Genetics (formerly Invitae), Labcorp
Classification: Uncertain significance for STAT3 gain of function; Hyper-IgE recurrent infection syndrome 1, autosomal dominant. Last evaluated: 2018-10-17. Review status: criteria provided, single submitter. Criteria: Invitae Variant Classification Sherloc (09022015). Collection method: clinical testing. Allele origin: germline.
Comment: This sequence change replaces serine with glycine at codon 611 of the STAT3 protein (p.Ser611Gly). The serine residue is highly conserved and there is a small physicochemical difference between serine and glycine. This variant is not present in population databases (ExAC no frequency). This variant has been observed in several individuals affected with hyper-immunoglobulin E syndromeÂ¬â€ (PMID: 22751495, 23584561). Algorithms developed to predict the effect of missense changes on protein structure and function are either unavailable or do not agree on the potential impact of this missense change (SIFT: "Tolerated"; PolyPhen-2: "Possibly Damaging"; Align-GVGD: "Class C0"). This variant disrupts the p.Ser611 amino acid residue in STAT3. Other variant(s) that disrupt this residue have been observed in affected individuals (PMID:Â¬â€ 17881745), which suggests that this may be a clinically significant amino acid residue. In summary, the available evidence is currently insufficient to determine the role of this variant in disease. Therefore, it has been classified as a Variant of Uncertain Significance.

Literature cited by the submitters: PubMed 23584561; PubMed 22751495.

NM_139276.3(STAT3):c.1831A>G (p.Ser611Gly)

Gene: STAT3 (signal transducer and activator of transcription 3; minus strand). Cytogenetic location: 17q21.2.
Variant type: single nucleotide variant.
Coding change: c.1831A>G on transcript NM_139276.3 (MANE Select); coding-DNA position 1831, A replaced by G.
Protein change: p.Ser611Gly; replaces serine 611 with glycine.
Molecular consequence: missense variant.
Genome position (GRCh38, 1-based): chr17:42,323,061, T>C on the plus strand (A>G on the coding strand, the complement: STAT3 is on the minus strand). VCF-style: chr17-42323061-T-C. GRCh37 (hg19) VCF-style: chr17-40475079-T-C.
Other names: c.1831A>G, p.Ser611Gly (NM_001369512.1, NM_001369513.1, NM_001384988.1 and 9 more transcripts); c.1810A>G, p.Ser604Gly (NM_001384987.1); c.1735A>G, p.Ser579Gly (NM_001384989.1); c.1846A>G, p.Ser616Gly (NM_001384990.1, NM_001384986.1); c.1804A>G, p.Ser602Gly (NM_001384991.1); c.1771A>G, p.Ser591Gly (NM_001384992.1); c.1747A>G, p.Ser583Gly (NM_001384984.1); c.1753A>G, p.Ser585Gly (NM_001384985.1); short protein forms S611G, S579G, S583G, S585G, S591G, S602G, S604G, S616G.
Identifiers: ClinVar variation 661648 (VCV000661648.1), dbSNP rs1598393473, ClinGen allele CA399582925.